The following is an entry in ClinVar:

ClinVar aggregate classification (germline): Uncertain significance (1 of 4 stars; one submission).

Conditions:
Dilated cardiomyopathy 1G (CMD1G). Identifiers: Orphanet 154, MedGen C1858763, MONDO:0011400, OMIM 604145.
Autosomal recessive limb-girdle muscular dystrophy type 2J (LGMDR10). Also called: Limb-girdle muscular dystrophy, type 2J; MUSCULAR DYSTROPHY, LIMB-GIRDLE, AUTOSOMAL RECESSIVE 10. Identifiers: Orphanet 140922, MedGen C1837342, MONDO:0012127, OMIM 608807.

Submission:

Labcorp Genetics (formerly Invitae), Labcorp
Classification: Uncertain significance for Dilated cardiomyopathy 1G; Autosomal recessive limb-girdle muscular dystrophy type 2J. Last evaluated: 2022-06-04. Review status: criteria provided, single submitter. Criteria: Invitae Variant Classification Sherloc (09022015). Collection method: clinical testing. Allele origin: germline.
Comment: In summary, the available evidence is currently insufficient to determine the role of this variant in disease. Therefore, it has been classified as a Variant of Uncertain Significance. This variant is located in the I band of TTN (PMID: 25589632). Variants in this region may be clinically relevant, but have not been definitively shown to cause cardiomyopathy or neuromuscular disease (PMID: 27493940, 32778822). Variants that disrupt the consensus splice site are a relatively common cause of aberrant splicing (PMID: 17576681, 9536098). Algorithms developed to predict the effect of sequence changes on RNA splicing suggest that this variant may create or strengthen a splice site. ClinVar contains an entry for this variant (Variation ID: 645017). This variant has not been reported in the literature in individuals affected with TTN-related conditions. This variant is not present in population databases (gnomAD no frequency). This sequence change falls in intron 238 of the TTN gene. It does not directly change the encoded amino acid sequence of the TTN protein. It affects a nucleotide within the consensus splice site.

Literature cited by the submitters: PubMed 25589632; PubMed 27493940; PubMed 32778822; PubMed 17576681; PubMed 9536098.

NM_001267550.2(TTN):c.44154+4A>T

Gene: TTN (titin; minus strand). Cytogenetic location: 2q31.2.
Variant type: single nucleotide variant.
Coding change: c.44154+4A>T on transcript NM_001267550.2 (MANE Select); 4 bases into the intron after coding-DNA position 44154, A replaced by T.
Molecular consequence: intron variant.
Genome position (GRCh38, 1-based): chr2:178,630,800, T>A on the plus strand (A>T on the coding strand, the complement: TTN is on the minus strand). VCF-style: chr2-178630800-T-A. GRCh37 (hg19) VCF-style: chr2-179495527-T-A.
Other names: c.16959+4A>T (NM_003319.4); c.17535+4A>T (NM_133437.4); c.17334+4A>T (NM_133432.3); c.36450+4A>T (NM_133378.4); c.39231+4A>T (NM_001256850.1).
Identifiers: ClinVar variation 645017 (VCV000645017.9), dbSNP rs1576670482, ClinGen allele CA915942165.